The following is an entry in ClinVar:

NM_181882.3(PRX):c.1750G>C (p.Glu584Gln)

Gene: PRX (periaxin; minus strand). Cytogenetic location: 19q13.2.
Variant type: single nucleotide variant.
Coding change: c.1750G>C on transcript NM_181882.3 (MANE Select); coding-DNA position 1750, G replaced by C.
Protein change: p.Glu584Gln; replaces glutamic acid 584 with glutamine.
Molecular consequence: missense variant. On other transcripts: 3 prime UTR variant (1).
Genome position (GRCh38, 1-based): chr19:40,396,602, C>G on the plus strand (G>C on the coding strand, the complement: PRX is on the minus strand). VCF-style: chr19-40396602-C-G. GRCh37 (hg19) VCF-style: chr19-40902509-C-G.
Other names: c.*1955G>C (NM_020956.2); short protein forms E584Q.
Identifiers: ClinVar variation 947256 (VCV000947256.9), dbSNP rs2079440126, ClinGen allele CA405897749.
Genomic context (GRCh38, chr19:40,396,602, plus strand): 5'-GCACTTCAGGGAGTTTCATCTCAGGAAGTTTCATCTCAGGCACCTTTGGAAGCTTCATCT[C>G]AGGGACTTTCATCTCTGGCACTTTCGGCAGCTGCACCTCTGGAAGCCGCACCTCTGGCAC-3'
Protein context (NP_870998.2, residues 574-594): LPKVPEMKVP[Glu584Gln]MKLPKVPEMK

ClinVar aggregate classification (germline): Uncertain significance (1 of 4 stars; one submission).

Conditions:
Charcot-Marie-Tooth disease type 4. Also called: Charcot-Marie-Tooth disease, type IV; Charcot-Marie-Tooth, Type 4. Identifiers: Orphanet 64749, MedGen C4082197, MONDO:0018995.

Submission:

Labcorp Genetics (formerly Invitae), Labcorp
Classification: Uncertain significance for Charcot-Marie-Tooth disease type 4. Last evaluated: 2019-06-29. Review status: criteria provided, single submitter. Criteria: Invitae Variant Classification Sherloc (09022015). Collection method: clinical testing. Allele origin: germline.
Comment: In summary, the available evidence is currently insufficient to determine the role of this variant in disease. Therefore, it has been classified as a Variant of Uncertain Significance. Algorithms developed to predict the effect of missense changes on protein structure and function are either unavailable or do not agree on the potential impact of this missense change (SIFT: "Tolerated"; PolyPhen-2: "Possibly Damaging"; Align-GVGD: "Class C0"). This variant has not been reported in the literature in individuals with PRX-related conditions. This variant is not present in population databases (ExAC no frequency). This sequence change replaces glutamic acid with glutamine at codon 584 of the PRX protein (p.Glu584Gln). The glutamic acid residue is weakly conserved and there is a small physicochemical difference between glutamic acid and glutamine.